The following is an entry in ClinVar:

ClinVar aggregate classification (germline): Uncertain significance (1 of 4 stars; one submission).

Conditions:
Atrioventricular septal defect 5 (AVSD5). Identifiers: MedGen C3280939, MONDO:0013769, OMIM 614474.

gnomAD v4.1: 4 of 1,533,664 alleles (0.00026%); highest among the groups gnomAD compares: Non-Finnish European, 0.00035%; no homozygotes.

Submission:

Labcorp Genetics (formerly Invitae), Labcorp
Classification: Uncertain significance for Atrioventricular septal defect 5. Last evaluated: 2022-04-21. Review status: criteria provided, single submitter. Criteria: Invitae Variant Classification Sherloc (09022015). Collection method: clinical testing. Allele origin: germline.
Comment: In summary, the available evidence is currently insufficient to determine the role of this variant in disease. Therefore, it has been classified as a Variant of Uncertain Significance. Algorithms developed to predict the effect of missense changes on protein structure and function are either unavailable or do not agree on the potential impact of this missense change (SIFT: "Tolerated"; PolyPhen-2: "Possibly Damaging"; Align-GVGD: "Class C0"). This variant has not been reported in the literature in individuals affected with GATA6-related conditions. This variant is not present in population databases (gnomAD no frequency). This sequence change replaces proline, which is neutral and non-polar, with arginine, which is basic and polar, at codon 369 of the GATA6 protein (p.Pro369Arg).

NM_005257.6(GATA6):c.1106C>G (p.Pro369Arg)

Gene: GATA6 (GATA binding protein 6; plus strand). Cytogenetic location: 18q11.2.
Variant type: single nucleotide variant.
Coding change: c.1106C>G on transcript NM_005257.6 (MANE Select); coding-DNA position 1106, C replaced by G.
Protein change: p.Pro369Arg; replaces proline 369 with arginine.
Molecular consequence: missense variant.
Genome position (GRCh38, 1-based): chr18:22,172,250, C>G. VCF-style: chr18-22172250-C-G. GRCh37 (hg19) VCF-style: chr18-19752211-C-G.
Other names: short protein forms P369R.
Identifiers: ClinVar variation 1960768 (VCV001960768.5), dbSNP rs1336387938, ClinGen allele CA401801822.